The following is an entry in ClinVar:

NM_032608.7(MYO18B):c.5519T>C (p.Leu1840Pro)

Gene: MYO18B (myosin XVIIIB; plus strand). Cytogenetic location: 22q12.1.
Variant type: single nucleotide variant.
Coding change: c.5519T>C on transcript NM_032608.7 (MANE Select); coding-DNA position 5519, T replaced by C.
Protein change: p.Leu1840Pro; replaces leucine 1840 with proline.
Molecular consequence: missense variant.
Genome position (GRCh38, 1-based): chr22:25,946,138, T>C. VCF-style: chr22-25946138-T-C. GRCh37 (hg19) VCF-style: chr22-26342104-T-C.
Other names: c.5522T>C, p.Leu1841Pro (NM_001318245.2); short protein forms L1840P, L1841P.
Identifiers: ClinVar variation 1958227 (VCV001958227.2), dbSNP rs887259845, ClinGen allele CA322793323.

ClinVar aggregate classification (germline): Uncertain significance (1 of 4 stars; one submission).

Submission:

Labcorp Genetics (formerly Invitae), Labcorp
Classification: Uncertain significance. Last evaluated: 2022-03-10. Review status: criteria provided, single submitter. Criteria: Invitae Variant Classification Sherloc (09022015). Collection method: clinical testing. Allele origin: germline.
Comment: This sequence change replaces leucine, which is neutral and non-polar, with proline, which is neutral and non-polar, at codon 1840 of the MYO18B protein (p.Leu1840Pro). This variant is not present in population databases (gnomAD no frequency). This variant has not been reported in the literature in individuals affected with MYO18B-related conditions. Algorithms developed to predict the effect of missense changes on protein structure and function are either unavailable or do not agree on the potential impact of this missense change (SIFT: "Not Available"; PolyPhen-2: "Probably Damaging"; Align-GVGD: "Not Available"). In summary, the available evidence is currently insufficient to determine the role of this variant in disease. Therefore, it has been classified as a Variant of Uncertain Significance.